The following is an entry in ClinVar:

NM_003458.4(BSN):c.3849del (p.Asp1283fs)

Gene: BSN (bassoon presynaptic cytomatrix protein; plus strand). Cytogenetic location: 3p21.31.
Variant type: Deletion.
Coding change: c.3849del on transcript NM_003458.4 (MANE Select); coding-DNA position 3849, one base deleted (C; older notation c.3849delC).
Protein change: p.Asp1283fs; shifts the reading frame from aspartic acid 1283.
Molecular consequence: frameshift variant.
Genome position (GRCh38, 1-based): chr3:49,653,405, C deleted. VCF-style (leftmost placement, unchanged base first): chr3-49653404-AC-A. GRCh37 (hg19) VCF-style: chr3-49690837-AC-A.
Other names: short protein forms D1283fs.
Identifiers: ClinVar variation 4685247 (VCV004685247.1).
Genomic context (GRCh38, chr3:49,653,404, plus strand): 5'-CATCACAGAGCATAGTCCGCATGCGGCAGGCCTCCTCACGAGACCTGGCTTTTGCTGAGG[AC>A]AAAAAGAAGGAGAAGCAGTTTCTAAATGCTGAGAGTGCATACATGGACCCAATGAAGCAA-3'

ClinVar aggregate classification (germline): Uncertain significance (1 of 4 stars; one submission).

Submission:

GeneDx
Classification: Uncertain significance. Last evaluated: 2025-07-08. Review status: criteria provided, single submitter. Criteria: GeneDx Variant Classification Process June 2021. Collection method: clinical testing. Allele origin: germline. Affected: yes.
Comment: Not observed at significant frequency in large population cohorts (gnomAD); Frameshift variant predicted to result in protein truncation or nonsense mediated decay in a gene or region of a gene for which loss of function is not a well-established mechanism of disease; Has not been previously published as pathogenic or benign to our knowledge